The following is an entry in ClinVar:

NM_021729.6(VPS11):c.2078T>C (p.Met693Thr)

Gene: VPS11 (VPS11 core subunit of CORVET and HOPS complexes; plus strand). Cytogenetic location: 11q23.3.
Variant type: single nucleotide variant.
Coding change: c.2078T>C on transcript NM_021729.6 (MANE Select); coding-DNA position 2078, T replaced by C.
Protein change: p.Met693Thr; replaces methionine 693 with threonine.
Molecular consequence: missense variant. On other transcripts: non-coding transcript variant (8).
Genome position (GRCh38, 1-based): chr11:119,078,809, T>C. VCF-style: chr11-119078809-T-C. GRCh37 (hg19) VCF-style: chr11-118949519-T-C.
Other names: c.2048T>C, p.Met683Thr (NM_001290185.2); c.2090T>C, p.Met697Thr (NM_001378218.1, NM_001378219.1); c.2063T>C, p.Met688Thr (NM_001378220.1); c.2060T>C, p.Met687Thr (NM_001378221.1); short protein forms M683T, M693T, M687T, M688T, M697T.
Identifiers: ClinVar variation 790365 (VCV000790365.36), dbSNP rs146380141, ClinGen allele CA6313623.
Genomic context (GRCh38, chr11:119,078,809, plus strand): 5'-ATTTTCCAGAGACAGCCACTGAGGTGTGCCCTTGCCCCGGCCGCAGGTTCCAGCAGATCA[T>C]GCACTACCACATGCAGCACGAGCAGTACCGGCAGGTCATCAGCGTGTGTGAGCGCCATGG-3'
Protein context (NP_068375.3, residues 683-703): YEQGKLFQQI[Met693Thr]HYHMQHEQYR

ClinVar aggregate classification (germline): Conflicting classifications of pathogenicity. Review status: criteria provided, conflicting classifications (1 of 4 stars). 4 submissions from 4 submitters: Uncertain significance (2); Likely benign (2). Last evaluated 2026-06-01.

Conditions:
Leukodystrophy, hypomyelinating, 12. Identifiers: Orphanet 466934, MedGen C4225247, MONDO:0014732, OMIM 616683.

Allele frequency attached by ClinVar (database versions not stated): 1000 Genomes Project 0.00160; gnomAD exomes 0.00179 and 0.00321; ExAC 0.00186; ESP Exome Variant Server 0.00201; gnomAD 0.00224 and 0.00230; 1000 Genomes Project 30x 0.00265; TOPMed 0.00274.
gnomAD v4.1: 4,984 of 1,613,572 alleles (0.31%); highest among the groups gnomAD compares: Non-Finnish European, 0.39%; 14 homozygotes.

Submissions (4):

CeGaT Center for Human Genetics Tuebingen
Classification: Likely benign. Last evaluated: 2026-06-01. Review status: criteria provided, single submitter. Criteria: CeGaT Center For Human Genetics Tuebingen Variant Classification Criteria Version 2. Collection method: clinical testing. Allele origin: germline. Affected: yes. Observed: 3 variant alleles.
Comment: VPS11: PP3, BS2

Labcorp Genetics (formerly Invitae), Labcorp
Classification: Likely benign. Last evaluated: 2026-01-26. Review status: criteria provided, single submitter. Criteria: Invitae Variant Classification Sherloc (09022015). Collection method: clinical testing. Allele origin: germline.

GeneDx
Classification: Uncertain significance. Last evaluated: 2020-11-06. Review status: criteria provided, single submitter. Criteria: GeneDx Variant Classification Process June 2021. Collection method: clinical testing. Allele origin: germline. Affected: yes.
Comment: In silico analysis, which includes protein predictors and evolutionary conservation, supports a deleterious effect; Has not been previously published as pathogenic or benign to our knowledge

Baylor Genetics
Classification: Uncertain significance for Leukodystrophy, hypomyelinating, 12. Last evaluated: 2018-05-07. Review status: criteria provided, single submitter. Criteria: ACMG Guidelines, 2015. Collection method: clinical testing. Allele origin: unknown. Affected: yes.
Comment: This variant was determined to be of uncertain significance according to ACMG Guidelines, 2015 [PMID:25741868].